The following is an entry in ClinVar:

NM_017617.5(NOTCH1):c.4709C>T (p.Ala1570Val)

Gene: NOTCH1 (notch receptor 1; minus strand). Cytogenetic location: 9q34.3.
Variant type: single nucleotide variant.
Coding change: c.4709C>T on transcript NM_017617.5 (MANE Select); coding-DNA position 4709, C replaced by T.
Protein change: p.Ala1570Val; replaces alanine 1570 with valine.
Molecular consequence: missense variant.
Genome position (GRCh38, 1-based): chr9:136,504,982, G>A on the plus strand (C>T on the coding strand, the complement: NOTCH1 is on the minus strand). VCF-style: chr9-136504982-G-A. GRCh37 (hg19) VCF-style: chr9-139399434-G-A.
Other names: c.4709C>T (NM_017617.3); short protein forms A1570V.
Identifiers: ClinVar variation 1362407 (VCV001362407.9), dbSNP rs199860726, ClinGen allele CA5340531.

ClinVar aggregate classification (germline): Conflicting classifications of pathogenicity. Review status: criteria provided, conflicting classifications (1 of 4 stars). 2 submissions from 2 submitters: Uncertain significance (1); Likely benign (1). Last evaluated 2026-04-14.

Conditions:
Adams-Oliver syndrome 5 (AOS5). Identifiers: Orphanet 974, MedGen C4014970, MONDO:0014459, OMIM 616028.
Familial thoracic aortic aneurysm and aortic dissection (TAAD). Also called: Thoracic aortic aneurysms and dissections. Identifiers: Orphanet 91387, MedGen C4707243, MONDO:0019625.

Allele frequency attached by ClinVar (database versions not stated): gnomAD 0.00001; gnomAD exomes 0.00001; TOPMed 0.00003; ExAC 0.00004.
gnomAD v4.1: 10 of 1,589,600 alleles (0.00063%); highest among the groups gnomAD compares: African/African-American, 0.0081%; no homozygotes.

Submissions (2):

Ambry Genetics
Classification: Uncertain significance for Familial thoracic aortic aneurysm and aortic dissection. Last evaluated: 2026-04-14. Review status: criteria provided, single submitter. Criteria: Ambry Variant Classification Scheme 2023. Collection method: clinical testing. Allele origin: germline.
Comment: The p.A1570V variant (also known as c.4709C>T), located in coding exon 26 of the NOTCH1 gene, results from a C to T substitution at nucleotide position 4709. The alanine at codon 1570 is replaced by valine, an amino acid with similar properties. This amino acid position is highly conserved in available vertebrate species. In addition, the in silico prediction for this alteration is inconclusive. Based on the available evidence, the clinical significance of this variant remains unclear.

Labcorp Genetics (formerly Invitae), Labcorp
Classification: Likely benign for Adams-Oliver syndrome 5. Last evaluated: 2025-09-20. Review status: criteria provided, single submitter. Criteria: Invitae Variant Classification Sherloc (09022015). Collection method: clinical testing. Allele origin: germline.